The following is an entry in ClinVar:

NM_001267550.2(TTN):c.27328G>C (p.Ala9110Pro)

Gene: TTN (titin; minus strand). Cytogenetic location: 2q31.2.
Variant type: single nucleotide variant.
Coding change: c.27328G>C on transcript NM_001267550.2 (MANE Select); coding-DNA position 27328, G replaced by C.
Protein change: p.Ala9110Pro; replaces alanine 9110 with proline.
Molecular consequence: missense variant. On other transcripts: intron variant (3).
Genome position (GRCh38, 1-based): chr2:178,712,697, C>G on the plus strand (G>C on the coding strand, the complement: TTN is on the minus strand). VCF-style: chr2-178712697-C-G. GRCh37 (hg19) VCF-style: chr2-179577424-C-G.
Other names: c.26377G>C, p.Ala8793Pro (NM_001256850.1); c.23596G>C, p.Ala7866Pro (NM_133378.4); c.13282+25385G>C (NM_003319.4); c.13858+25385G>C (NM_133437.4); c.13657+25385G>C (NM_133432.3); short protein forms A7866P, A8793P, A9110P.
Identifiers: ClinVar variation 3748739 (VCV003748739.2).

ClinVar aggregate classification (germline): Uncertain significance (1 of 4 stars; one submission).

Conditions:
Dilated cardiomyopathy 1G (CMD1G). Identifiers: Orphanet 154, MedGen C1858763, MONDO:0011400, OMIM 604145.
Autosomal recessive limb-girdle muscular dystrophy type 2J (LGMDR10). Also called: Limb-girdle muscular dystrophy, type 2J; MUSCULAR DYSTROPHY, LIMB-GIRDLE, AUTOSOMAL RECESSIVE 10. Identifiers: Orphanet 140922, MedGen C1837342, MONDO:0012127, OMIM 608807.

gnomAD v4.1: 6 of 1,611,288 alleles (0.00037%); highest among the groups gnomAD compares: African/African-American, 0.0013%; no homozygotes.

Submission:

Labcorp Genetics (formerly Invitae), Labcorp
Classification: Uncertain significance for Dilated cardiomyopathy 1G; Autosomal recessive limb-girdle muscular dystrophy type 2J. Last evaluated: 2024-06-28. Review status: criteria provided, single submitter. Criteria: Invitae Variant Classification Sherloc (09022015). Collection method: clinical testing. Allele origin: germline.
Comment: This sequence change replaces alanine, which is neutral and non-polar, with proline, which is neutral and non-polar, at codon 9110 of the TTN protein (p.Ala9110Pro). This variant also falls at the last nucleotide of exon 94, which is part of the consensus splice site for this exon. This variant is not present in population databases (gnomAD no frequency). This variant has not been reported in the literature in individuals affected with TTN-related conditions. Experimental studies and prediction algorithms are not available or were not evaluated, and the functional significance of this variant is currently unknown. Variants that disrupt the consensus splice site are a relatively common cause of aberrant splicing (PMID: 17576681, 9536098). Algorithms developed to predict the effect of sequence changes on RNA splicing suggest that this variant may disrupt the consensus splice site. This variant is located in the I band of TTN (PMID: 25589632). Non-truncating variants in this region may be clinically relevant, but have not been definitively shown to cause cardiomyopathy or neuromuscular disease (PMID: 27493940, 32778822). In summary, the available evidence is currently insufficient to determine the role of this variant in disease. Therefore, it has been classified as a Variant of Uncertain Significance.

Literature cited by the submitters: PubMed 17576681; PubMed 9536098; PubMed 25589632; PubMed 27493940; PubMed 32778822.